The following is an entry in ClinVar:

ClinVar aggregate classification (germline): Uncertain significance (1 of 4 stars; one submission).

gnomAD v4.1: 2 of 1,495,962 alleles (0.00013%); highest among the groups gnomAD compares: Non-Finnish European, 0.00018%; no homozygotes.

Submission:

GeneDx
Classification: Uncertain significance. Last evaluated: 2025-06-04. Review status: criteria provided, single submitter. Criteria: GeneDx Variant Classification Process June 2021. Collection method: clinical testing. Allele origin: germline. Affected: yes.
Comment: Not observed at significant frequency in large population cohorts (gnomAD); In silico analysis suggests that this missense variant does not alter protein structure/function; Has not been previously published as pathogenic or benign to our knowledge

NM_001385012.1(NBEA):c.2248A>G (p.Ile750Val)

Gene: NBEA (neurobeachin; plus strand). Cytogenetic location: 13q13.3.
Variant type: single nucleotide variant.
Coding change: c.2248A>G on transcript NM_001385012.1 (MANE Select); coding-DNA position 2248, A replaced by G.
Protein change: p.Ile750Val; replaces isoleucine 750 with valine.
Molecular consequence: missense variant.
Genome position (GRCh38, 1-based): chr13:35,123,486, A>G. VCF-style: chr13-35123486-A-G. GRCh37 (hg19) VCF-style: chr13-35697623-A-G.
Other names: c.2248A>G, p.Ile750Val (NM_001379245.1, NM_015678.5); short protein forms I750V.
Identifiers: ClinVar variation 4536523 (VCV004536523.1).
Genomic context (GRCh38, chr13:35,123,486, plus strand): 5'-GTGTTTTTGTTTTTAATATTAGTAAGTTTTTAAAAGATAATTTATATATTTTGTAGGGTG[A>G]TCTACAAATTATTGGCTTCTAAAAGTGAAAGTATTTGGGTTCAAGCTTTGAAGGTTCTGG-3'
Protein context (NP_001371941.1, residues 740-760): AFDQRNGIRV[Ile750Val]YKLLASKSES